The following is an entry in ClinVar:

NM_030632.3(ASXL3):c.1903A>C (p.Thr635Pro)

Gene: ASXL3 (ASXL transcriptional regulator 3; plus strand). Cytogenetic location: 18q12.1.
Variant type: single nucleotide variant.
Coding change: c.1903A>C on transcript NM_030632.3 (MANE Select); coding-DNA position 1903, A replaced by C.
Protein change: p.Thr635Pro; replaces threonine 635 with proline.
Molecular consequence: missense variant.
Genome position (GRCh38, 1-based): chr18:33,739,307, A>C. VCF-style: chr18-33739307-A-C. GRCh37 (hg19) VCF-style: chr18-31319271-A-C.
Other names: short protein forms T635P.
Identifiers: ClinVar variation 2446268 (VCV002446268.1), dbSNP rs2510918039, ClinGen allele CA402176847.

ClinVar aggregate classification (germline): Uncertain significance (1 of 4 stars; one submission).

Submission:

GeneDx
Classification: Uncertain significance. Last evaluated: 2022-09-26. Review status: criteria provided, single submitter. Criteria: GeneDx Variant Classification Process June 2021. Collection method: clinical testing. Allele origin: germline. Affected: yes.
Comment: Not observed at significant frequency in large population cohorts (gnomAD); In silico analysis supports that this missense variant does not alter protein structure/function; Has not been previously published as pathogenic or benign to our knowledge